The following is an entry in ClinVar:

ClinVar aggregate classification (germline): Uncertain significance. Review status: criteria provided, multiple submitters, no conflicts (2 of 4 stars). 2 submissions from 2 submitters: Uncertain significance (2). Last evaluated 2025-06-29.

Conditions:
Hereditary cancer-predisposing syndrome. Also called: Hereditary neoplastic syndrome; Tumor predisposition; Neoplastic Syndromes, Hereditary; Hereditary Cancer Syndrome. Identifiers: Orphanet 140162, MedGen C0027672, MeSH D009386, MONDO:0015356.
Familial adenomatous polyposis 1 (FAP1). Also called: FAMILIAL ADENOMATOUS POLYPOSIS 1, ATTENUATED; POLYPOSIS, ADENOMATOUS INTESTINAL. Identifiers: MedGen C2713442, MONDO:0021056, OMIM 175100. Disease mechanism: loss of function.

Allele frequency attached by ClinVar (database versions not stated): gnomAD exomes below 0.00001.
gnomAD v4.1: 4 of 1,612,784 alleles (0.00025%); highest among the groups gnomAD compares: African/African-American, 0.0053%; no homozygotes.

Submissions (2):

Labcorp Genetics (formerly Invitae), Labcorp
Classification: Uncertain significance for Familial adenomatous polyposis 1. Last evaluated: 2025-06-29. Review status: criteria provided, single submitter. Criteria: Invitae Variant Classification Sherloc (09022015). Collection method: clinical testing. Allele origin: germline.
Comment: This sequence change replaces proline, which is neutral and non-polar, with leucine, which is neutral and non-polar, at codon 1828 of the APC protein (p.Pro1828Leu). This variant is not present in population databases (gnomAD no frequency). This variant has not been reported in the literature in individuals affected with APC-related conditions. ClinVar contains an entry for this variant (Variation ID: 954898). Invitae Evidence Modeling of protein sequence and biophysical properties (such as structural, functional, and spatial information, amino acid conservation, physicochemical variation, residue mobility, and thermodynamic stability) indicates that this missense variant is not expected to disrupt APC protein function with a negative predictive value of 95%. In summary, the available evidence is currently insufficient to determine the role of this variant in disease. Therefore, it has been classified as a Variant of Uncertain Significance.

Ambry Genetics
Classification: Uncertain significance for Hereditary cancer-predisposing syndrome. Last evaluated: 2024-03-09. Review status: criteria provided, single submitter. Criteria: Ambry Variant Classification Scheme 2023. Collection method: clinical testing. Allele origin: germline.
Comment: The p.P1828L variant (also known as c.5483C>T), located in coding exon 15 of the APC gene, results from a C to T substitution at nucleotide position 5483. The proline at codon 1828 is replaced by leucine, an amino acid with similar properties. This amino acid position is conserved. In addition, in silico predictors for this gene do not accurately predict pathogenicity. Based on the available evidence, the clinical significance of this alteration remains unclear.

NM_000038.6(APC):c.5483C>T (p.Pro1828Leu)

Gene: APC (APC regulator of Wnt signaling pathway; plus strand). Cytogenetic location: 5q22.2.
Variant type: single nucleotide variant.
Coding change: c.5483C>T on transcript NM_000038.6 (MANE Select); coding-DNA position 5483, C replaced by T.
Protein change: p.Pro1828Leu; replaces proline 1828 with leucine.
Molecular consequence: missense variant.
Genome position (GRCh38, 1-based): chr5:112,841,077, C>T. VCF-style: chr5-112841077-C-T. GRCh37 (hg19) VCF-style: chr5-112176774-C-T.
Other names: c.5483C>T, p.Pro1828Leu (NM_001127510.3, NM_001354895.2); c.5429C>T, p.Pro1810Leu (NM_001127511.3); c.5537C>T, p.Pro1846Leu (NM_001354896.2); c.5513C>T, p.Pro1838Leu (NM_001354897.2); c.5408C>T, p.Pro1803Leu (NM_001354898.2); c.5399C>T, p.Pro1800Leu (NM_001354899.2); c.5360C>T, p.Pro1787Leu (NM_001354900.2); c.5306C>T, p.Pro1769Leu (NM_001354901.2); and 5 more; short protein forms P1737L, P1800L, P1545L, P1803L, P1810L, P1828L, P1838L, P1846L.
Identifiers: ClinVar variation 954898 (VCV000954898.12), dbSNP rs971100064, ClinGen allele CA16033330.